The following is an entry in ClinVar:

ClinVar aggregate classification (germline): Uncertain significance (1 of 4 stars; one submission).

Conditions:
COL18A1-related disorder. Also called: COL18A1-related condition; COL18A1-related disorders.

gnomAD v4.1: 50 of 1,550,142 alleles (0.0032%); highest among the groups gnomAD compares: Admixed American, 0.024%; no homozygotes.

Submission:

PreventionGenetics, part of Exact Sciences
Classification: Uncertain significance for COL18A1-related condition. Last evaluated: 2025-09-29. Review status: criteria provided, single submitter. Criteria: ACMG Guidelines, 2015. Collection method: clinical testing. Allele origin: germline.
Comment: The COL18A1 c.827C>T variant is predicted to result in the amino acid substitution p.Ala276Val. To our knowledge, this variant has not been reported in the literature. This variant is reported in 0.036% of alleles in individuals of African descent in gnomAD. At this time, the clinical significance of this variant is uncertain due to the absence of conclusive functional and genetic evidence.

NM_001379500.1(COL18A1):c.107-11885C>T

Gene: COL18A1 (collagen type XVIII alpha 1 chain; plus strand). Cytogenetic location: 21q22.3.
Variant type: single nucleotide variant.
Coding change: c.107-11885C>T on transcript NM_001379500.1 (MANE Select); 11885 bases into the intron before coding-DNA position 107, C replaced by T.
Molecular consequence: intron variant. On other transcripts: missense variant (1).
Genome position (GRCh38, 1-based): chr21:45,456,357, C>T. VCF-style: chr21-45456357-C-T. GRCh37 (hg19) VCF-style: chr21-46876271-C-T.
Other names: c.827C>T, p.Ala276Val (NM_130444.3); c.646+181C>T (NM_030582.4); short protein forms A276V.
Identifiers: ClinVar variation 4981120 (VCV004981120.1).